The following is an entry in ClinVar:

NM_001378457.1(DMXL2):c.1339G>A (p.Asp447Asn)

Gene: DMXL2 (Dmx like 2; minus strand). Cytogenetic location: 15q21.2.
Variant type: single nucleotide variant.
Coding change: c.1339G>A on transcript NM_001378457.1 (MANE Select); coding-DNA position 1339, G replaced by A.
Protein change: p.Asp447Asn; replaces aspartic acid 447 with asparagine.
Molecular consequence: missense variant. On other transcripts: non-coding transcript variant (2), intron variant (1).
Genome position (GRCh38, 1-based): chr15:51,538,219, C>T on the plus strand (G>A on the coding strand, the complement: DMXL2 is on the minus strand). VCF-style: chr15-51538219-C-T. GRCh37 (hg19) VCF-style: chr15-51830416-C-T.
Other names: c.1339G>A (NM_001174116.2, NM_001174116.1); c.1339G>A, p.Asp447Asn (NM_001174116.3, NM_001174117.3, NM_001378458.1 and 6 more transcripts); c.1106-460G>A (NM_001378464.1); short protein forms D447N.
Identifiers: ClinVar variation 1402171 (VCV001402171.33), dbSNP rs149014761, ClinGen allele CA7562618.

ClinVar aggregate classification (germline): Uncertain significance. Review status: criteria provided, multiple submitters, no conflicts (2 of 4 stars). 7 submissions from 7 submitters: Uncertain significance (6). 1 of the submissions does not count toward it. Last evaluated 2025-09-29.

Conditions:
Nonsyndromic genetic hearing loss. Also called: Nonsyndromic hearing loss and deafness; Nonsyndromic genetic deafness; Non-syndromic genetic deafness. Identifiers: Orphanet 87884, MedGen C5680182, MONDO:0019497.
Inborn genetic diseases. Identifiers: MedGen C0950123, MeSH D030342.
Hearing loss, autosomal dominant 71. Also called: DEAFNESS, AUTOSOMAL DOMINANT 71. Identifiers: MedGen C4539881, MONDO:0033258, OMIM 617605.
Polyendocrine-polyneuropathy syndrome (PEPNS). Identifiers: Orphanet 453533, MedGen C4015261, MONDO:0014497, OMIM 616113.
Developmental and epileptic encephalopathy, 81. Also called: EPILEPTIC ENCEPHALOPATHY, EARLY INFANTILE, 81. Identifiers: MedGen C5231450, MONDO:0032858, OMIM 618663.
DMXL2-related disorder. Also called: DMXL2-related condition.

Allele frequency attached by ClinVar (database versions not stated): ExAC 0.00015; gnomAD exomes 0.00016 and 0.00056; 1000 Genomes Project 0.00020; 1000 Genomes Project 30x 0.00031; gnomAD 0.00031 and 0.00033; TOPMed 0.00032; ESP Exome Variant Server 0.00054.
gnomAD v4.1: 875 of 1,612,018 alleles (0.054%); highest among the groups gnomAD compares: Non-Finnish European, 0.07%; 1 homozygote.

Submissions (7):

Labcorp Genetics (formerly Invitae), Labcorp
Classification: Uncertain significance. Last evaluated: 2025-09-29. Review status: criteria provided, single submitter. Criteria: Invitae Variant Classification Sherloc (09022015). Collection method: clinical testing. Allele origin: germline.
Comment: This sequence change replaces aspartic acid, which is acidic and polar, with asparagine, which is neutral and polar, at codon 447 of the DMXL2 protein (p.Asp447Asn). This variant is present in population databases (rs149014761, gnomAD 0.04%). This variant has not been reported in the literature in individuals affected with DMXL2-related conditions. ClinVar contains an entry for this variant (Variation ID: 1402171). An algorithm developed to predict the effect of missense changes on protein structure and function (PolyPhen-2) suggests that this variant is likely to be tolerated. In summary, the available evidence is currently insufficient to determine the role of this variant in disease. Therefore, it has been classified as a Variant of Uncertain Significance.

Ambry Genetics
Classification: Uncertain significance for Inborn genetic diseases. Last evaluated: 2025-04-24. Review status: criteria provided, single submitter. Criteria: Ambry Variant Classification Scheme 2023. Collection method: clinical testing. Allele origin: germline.

CeGaT Center for Human Genetics Tuebingen
Classification: Uncertain significance. Last evaluated: 2025-01-01. Review status: criteria provided, single submitter. Criteria: CeGaT Center For Human Genetics Tuebingen Variant Classification Criteria Version 2. Collection method: clinical testing. Allele origin: germline. Affected: yes. Observed: 2 variant alleles.

Fulgent Genetics
Classification: Uncertain significance for Polyendocrine-polyneuropathy syndrome; Hearing loss, autosomal dominant 71; Developmental and epileptic encephalopathy, 81. Last evaluated: 2024-03-26. Review status: criteria provided, single submitter. Criteria: ACMG Guidelines, 2015. Collection method: clinical testing. Allele origin: germline.

Revvity Omics, Revvity
Classification: Uncertain significance. Last evaluated: 2021-10-28. Review status: criteria provided, single submitter. Criteria: ACMG Guidelines, 2015. Collection method: clinical testing. Allele origin: germline.

Department of Pathology and Laboratory Medicine, Sinai Health System
Classification: Uncertain significance for nonsyndromic genetic hearing loss. Last evaluated: 2020-06-01. Review status: criteria provided, single submitter. Criteria: ACMG Guidelines, 2015. Collection method: research. Allele origin: germline.

PreventionGenetics, part of Exact Sciences
Classification: Uncertain significance for DMXL2-related condition. Last evaluated: 2024-06-18. Review status: no assertion criteria provided. Collection method: clinical testing. Allele origin: germline. Not counted in ClinVar's aggregate classification.
Comment: The DMXL2 c.1339G>A variant is predicted to result in the amino acid substitution p.Asp447Asn. To our knowledge, this variant has not been reported in the literature. This variant is reported in 0.034% of alleles in individuals of European (Non-Finnish) descent in gnomAD. At this time, the clinical significance of this variant is uncertain due to the absence of conclusive functional and genetic evidence.